The following is an entry in ClinVar:

ClinVar aggregate classification (germline): Uncertain significance. Review status: criteria provided, multiple submitters, no conflicts (2 of 4 stars). 2 submissions from 2 submitters: Uncertain significance (2). Last evaluated 2026-05-21.

Conditions:
Cystic fibrosis (CF). Also called: MUCOVISCIDOSIS. Identifiers: Orphanet 586, MedGen C0010674, MONDO:0009061, OMIM 219700. Disease mechanism: loss of function.

Submissions (2):

Ambry Genetics
Classification: Uncertain significance for Cystic fibrosis. Last evaluated: 2026-05-21. Review status: criteria provided, single submitter. Criteria: Ambry Variant Classification Scheme 2023. Collection method: clinical testing. Allele origin: germline.
Comment: The p.S902T variant (also known as c.2705G>C), located in coding exon 17 of the CFTR gene, results from a G to C substitution at nucleotide position 2705. The serine at codon 902 is replaced by threonine, an amino acid with similar properties. This amino acid position is conserved. In addition, this alteration is predicted to be tolerated by in silico analysis. Based on the available evidence, the clinical significance of this variant remains unclear.

Labcorp Genetics (formerly Invitae), Labcorp
Classification: Uncertain significance for Cystic fibrosis. Last evaluated: 2021-10-23. Review status: criteria provided, single submitter. Criteria: Invitae Variant Classification Sherloc (09022015). Collection method: clinical testing. Allele origin: germline.
Comment: In summary, the available evidence is currently insufficient to determine the role of this variant in disease. Therefore, it has been classified as a Variant of Uncertain Significance. Algorithms developed to predict the effect of missense changes on protein structure and function output the following: SIFT: "Tolerated"; PolyPhen-2: "Benign"; Align-GVGD: "Class C0". The threonine amino acid residue is found in multiple mammalian species, which suggests that this missense change does not adversely affect protein function. This variant has not been reported in the literature in individuals affected with CFTR-related conditions. This variant is not present in population databases (ExAC no frequency). This sequence change replaces serine with threonine at codon 902 of the CFTR protein (p.Ser902Thr). The serine residue is moderately conserved and there is a small physicochemical difference between serine and threonine.

NM_000492.4(CFTR):c.2705G>C (p.Ser902Thr)

Gene: CFTR (CF transmembrane conductance regulator; plus strand). Cytogenetic location: 7q31.2.
Variant type: single nucleotide variant.
Coding change: c.2705G>C on transcript NM_000492.4 (MANE Select); coding-DNA position 2705, G replaced by C.
Protein change: p.Ser902Thr; replaces serine 902 with threonine.
Molecular consequence: missense variant.
Genome position (GRCh38, 1-based): chr7:117,603,579, G>C. VCF-style: chr7-117603579-G-C. GRCh37 (hg19) VCF-style: chr7-117243633-G-C.
Other names: c.2705G>C (NM_000492.3); short protein forms S902T.
Identifiers: ClinVar variation 1483976 (VCV001483976.7), dbSNP rs2116061306, ClinGen allele CA368986474.